The following is an entry in ClinVar:

NM_001122955.4(BSCL2):c.242G>A (p.Gly81Asp)

Genes: BSCL2 (BSCL2 lipid droplet biogenesis associated, seipin; minus strand), HNRNPUL2-BSCL2 (HNRNPUL2-BSCL2 readthrough (NMD candidate); minus strand). Cytogenetic location: 11q12.3.
Variant type: single nucleotide variant.
Coding change: c.242G>A on transcript NM_001122955.4 (MANE Select); coding-DNA position 242, G replaced by A.
Protein change: p.Gly81Asp; replaces glycine 81 with aspartic acid.
Molecular consequence: missense variant. On other transcripts: non-coding transcript variant (1).
Genome position (GRCh38, 1-based): chr11:62,705,463, C>T on the plus strand (G>A on the coding strand, the complement: BSCL2 is on the minus strand). VCF-style: chr11-62705463-C-T. GRCh37 (hg19) VCF-style: chr11-62472935-C-T.
Other names: c.50G>A, p.Gly17Asp (NM_001130702.2, NM_032667.6); c.242G>A, p.Gly81Asp (NM_001386027.1, NM_001386028.1); short protein forms G17D, G81D.
Identifiers: ClinVar variation 1318931 (VCV001318931.2), dbSNP rs2134740844, ClinGen allele CA380970740.

ClinVar aggregate classification (germline): Uncertain significance (1 of 4 stars; one submission).

Submission:

GeneDx
Classification: Uncertain significance. Last evaluated: 2019-08-30. Review status: criteria provided, single submitter. Criteria: GeneDx Variant Classification Process June 2021. Collection method: clinical testing. Allele origin: germline. Affected: yes.
Comment: Not observed in large population cohorts (Lek et al., 2016); In silico analysis, which includes protein predictors and evolutionary conservation, supports a deleterious effect; Has not been previously published as pathogenic or benign to our knowledge